The following is an entry in ClinVar:

ClinVar aggregate classification (germline): Uncertain significance (1 of 4 stars; one submission).

Conditions:
Norman-Roberts syndrome (LIS2). Also called: Lissencephaly 2 (Norman-Roberts type). Identifiers: Orphanet 89844, MedGen C0796089, MONDO:0009760, OMIM 257320.
Familial temporal lobe epilepsy 7. Identifiers: Orphanet 101046, MedGen C4225327, MONDO:0014639, OMIM 616436.

Submission:

Labcorp Genetics (formerly Invitae), Labcorp
Classification: Uncertain significance for Familial temporal lobe epilepsy 7; Norman-Roberts syndrome. Last evaluated: 2025-10-20. Review status: criteria provided, single submitter. Criteria: Invitae Variant Classification Sherloc (09022015). Collection method: clinical testing. Allele origin: germline.
Comment: This sequence change replaces leucine, which is neutral and non-polar, with phenylalanine, which is neutral and non-polar, at codon 2405 of the RELN protein (p.Leu2405Phe). This variant is not present in population databases (gnomAD no frequency). This variant has not been reported in the literature in individuals affected with RELN-related conditions. Invitae Evidence Modeling of protein sequence and biophysical properties (such as structural, functional, and spatial information, amino acid conservation, physicochemical variation, residue mobility, and thermodynamic stability) indicates that this missense variant is not expected to disrupt RELN protein function with a negative predictive value of 80%. In summary, the available evidence is currently insufficient to determine the role of this variant in disease. Therefore, it has been classified as a Variant of Uncertain Significance.

NM_005045.4(RELN):c.7215G>C (p.Leu2405Phe)

Gene: RELN (reelin; minus strand). Cytogenetic location: 7q22.1.
Variant type: single nucleotide variant.
Coding change: c.7215G>C on transcript NM_005045.4 (MANE Select); coding-DNA position 7215, G replaced by C.
Protein change: p.Leu2405Phe; replaces leucine 2405 with phenylalanine.
Molecular consequence: missense variant.
Genome position (GRCh38, 1-based): chr7:103,535,450, C>G on the plus strand (G>C on the coding strand, the complement: RELN is on the minus strand). VCF-style: chr7-103535450-C-G. GRCh37 (hg19) VCF-style: chr7-103175897-C-G.
Other names: c.7215G>C, p.Leu2405Phe (NM_173054.3); short protein forms L2405F.
Identifiers: ClinVar variation 4791781 (VCV004791781.1).
Genomic context (GRCh38, chr7:103,535,450, plus strand): 5'-ATGATAGCGACTGCATTCCACATTGGTAGGCAGACAGTCCCTTACCAATGGGTGCCATGA[C>G]AATCCAAGATCTACTGAGTATTCCAATTCAATCGCTGAAACAGGAAACATTATTTTGGAT-3'
Protein context (NP_005036.2, residues 2395-2415): IELEYSVDLG[Leu2405Phe]SWHPLVRDCL